The following is an entry in ClinVar:

ClinVar aggregate classification (germline): Uncertain significance (1 of 4 stars; one submission).

Conditions:
3-methylglutaconic aciduria, type VIIB (MGCA7B). Also called: 3-methylglutaconic aciduria, type VII, with cataracts, neurologic involvement and neutropenia; CLPB Deficiency; 3-methylglutaconic aciduria with cataracts, neurologic involvement and neutropenia. Identifiers: Orphanet 445038, MedGen C5676893, MONDO:0014561, OMIM 616271.

gnomAD v4.1: 1 of 1,613,416 alleles (0.000062%); highest among the groups gnomAD compares: African/African-American, 0.0013%; no homozygotes.

Submission:

Labcorp Genetics (formerly Invitae), Labcorp
Classification: Uncertain significance for 3-methylglutaconic aciduria, type VIIB. Last evaluated: 2024-02-25. Review status: criteria provided, single submitter. Criteria: Invitae Variant Classification Sherloc (09022015). Collection method: clinical testing. Allele origin: germline.
Comment: This sequence change replaces aspartic acid, which is acidic and polar, with glutamic acid, which is acidic and polar, at codon 252 of the CLPB protein (p.Asp252Glu). This variant is not present in population databases (gnomAD no frequency). This variant has not been reported in the literature in individuals affected with CLPB-related conditions. An algorithm developed to predict the effect of missense changes on protein structure and function (PolyPhen-2) suggests that this variant is likely to be tolerated. In summary, the available evidence is currently insufficient to determine the role of this variant in disease. Therefore, it has been classified as a Variant of Uncertain Significance.

NM_001258392.3(CLPB):c.666T>A (p.Asp222Glu)

Gene: CLPB (ClpB family mitochondrial disaggregase; minus strand). Cytogenetic location: 11q13.4.
Variant type: single nucleotide variant.
Coding change: c.666T>A on transcript NM_001258392.3 (MANE Select); coding-DNA position 666, T replaced by A.
Protein change: p.Asp222Glu; replaces aspartic acid 222 with glutamic acid.
Molecular consequence: missense variant.
Genome position (GRCh38, 1-based): chr11:72,358,989, A>T on the plus strand (T>A on the coding strand, the complement: CLPB is on the minus strand). VCF-style: chr11-72358989-A-T. GRCh37 (hg19) VCF-style: chr11-72070033-A-T.
Other names: c.579T>A, p.Asp193Glu (NM_001258393.3); c.621T>A, p.Asp207Glu (NM_001258394.3); c.756T>A, p.Asp252Glu (NM_030813.6); short protein forms D207E, D222E, D252E, D193E.
Identifiers: ClinVar variation 3642318 (VCV003642318.2).
Genomic context (GRCh38, chr11:72,358,989, plus strand): 5'-ATAGTGCAAGGCCGTGCAGCCCTTGAAACTGGCGCGGTTGTTCAGCCTGTTGTTGAAGTC[A>T]TCCTCTCGGGTGATCAGGACTGGGGAGACAGCAACACAAACCCTTCCATTAGCAACGACA-3'
Protein context (NP_001245321.1, residues 212-232): HSLEVLITRE[Asp222Glu]DFNNRLNNRA